The following is an entry in ClinVar:

ClinVar aggregate classification (germline): Uncertain significance (1 of 4 stars; one submission).

Conditions:
Succinate-semialdehyde dehydrogenase deficiency (SSADHD). Also called: SSADH DEFICIENCY; 4-HYDROXYBUTYRIC ACIDURIA; GABA METABOLIC DEFECT; Succinic Semialdehyde Dehydrogenase Deficiency. Identifiers: Orphanet 22, MedGen C0268631, MONDO:0010083, OMIM 271980.

Allele frequency attached by ClinVar (database versions not stated): gnomAD exomes 0.00001 and 0.00004; ExAC 0.00002; gnomAD 0.00002 and 0.00003; TOPMed 0.00002; 1000 Genomes Project 30x 0.00031; 1000 Genomes Project 0.00040.
gnomAD v4.1: 13 of 1,614,156 alleles (0.00081%); highest among the groups gnomAD compares: East Asian, 0.029%; no homozygotes.

Submission:

Labcorp Genetics (formerly Invitae), Labcorp
Classification: Uncertain significance for Succinate-semialdehyde dehydrogenase deficiency. Last evaluated: 2023-04-06. Review status: criteria provided, single submitter. Criteria: Invitae Variant Classification Sherloc (09022015). Collection method: clinical testing. Allele origin: germline.
Comment: In summary, the available evidence is currently insufficient to determine the role of this variant in disease. Therefore, it has been classified as a Variant of Uncertain Significance. Advanced modeling of protein sequence and biophysical properties (such as structural, functional, and spatial information, amino acid conservation, physicochemical variation, residue mobility, and thermodynamic stability) performed at Invitae indicates that this missense variant is not expected to disrupt ALDH5A1 protein function. ClinVar contains an entry for this variant (Variation ID: 1359194). This variant has not been reported in the literature in individuals affected with ALDH5A1-related conditions. This variant is present in population databases (rs200308698, gnomAD 0.06%). This sequence change replaces asparagine, which is neutral and polar, with aspartic acid, which is acidic and polar, at codon 372 of the ALDH5A1 protein (p.Asn372Asp).

NM_001080.3(ALDH5A1):c.1114A>G (p.Asn372Asp)

Gene: ALDH5A1 (aldehyde dehydrogenase 5 family member A1; plus strand). Cytogenetic location: 6p22.3.
Variant type: single nucleotide variant.
Coding change: c.1114A>G on transcript NM_001080.3 (MANE Select); coding-DNA position 1114, A replaced by G.
Protein change: p.Asn372Asp; replaces asparagine 372 with aspartic acid.
Molecular consequence: missense variant.
Genome position (GRCh38, 1-based): chr6:24,522,866, A>G. VCF-style: chr6-24522866-A-G. GRCh37 (hg19) VCF-style: chr6-24523094-A-G.
Other names: c.970A>G, p.Asn324Asp (NM_001368954.1); c.1153A>G, p.Asn385Asp (NM_170740.1); short protein forms N324D, N372D, N385D.
Identifiers: ClinVar variation 1359194 (VCV001359194.7), dbSNP rs200308698, ClinGen allele CA3656854.